The following is an entry in ClinVar:

ClinVar aggregate classification (germline): Uncertain significance (1 of 4 stars; one submission).

Conditions:
Neuroblastoma, susceptibility to, 3. Also called: ALK-Related Neuroblastic Tumor Susceptibility. Identifiers: Orphanet 635, MedGen C2751681, MONDO:0013083, OMIM 613014.

Submission:

Labcorp Genetics (formerly Invitae), Labcorp
Classification: Uncertain significance for Neuroblastoma, susceptibility to, 3. Last evaluated: 2018-12-17. Review status: criteria provided, single submitter. Criteria: Invitae Variant Classification Sherloc (09022015). Collection method: clinical testing. Allele origin: germline.
Comment: In summary, the available evidence is currently insufficient to determine the role of this variant in disease. Therefore, it has been classified as a Variant of Uncertain Significance. Experimental studies and prediction algorithms are not available for this variant, and the functional significance of the affected amino acid(s) is currently unknown. This variant has not been reported in the literature in individuals with ALK-related conditions. This variant is not present in population databases (ExAC no frequency). This variant, c.3133_3147del, results in the deletion of 5 amino acid(s) of the ALK protein (p.Val1045_Val1049del), but otherwise preserves the integrity of the reading frame.

NM_004304.5(ALK):c.3133_3147del (p.Val1045_Val1049del)

Gene: ALK (ALK receptor tyrosine kinase; minus strand). Cytogenetic location: 2p23.2.
Variant type: Deletion.
Coding change: c.3133_3147del on transcript NM_004304.5 (MANE Select); coding-DNA positions 3133 to 3147, 15 bases deleted (GTGGCCGCCCTGGTC).
Protein change: p.Val1045_Val1049del.
Molecular consequence: inframe deletion.
Genome position (GRCh38, 1-based): chr2:29,225,486-29,225,500, GACCAGGGCGGCCAC deleted on the plus strand (GTGGCCGCCCTGGTC on the coding strand, the reverse complement: ALK is on the minus strand); deleting any 15 consecutive bases within chr2:29,225,486-29,225,502 gives the same sequence; the c. name uses the placement nearest the transcript's 3' end. VCF-style (leftmost placement, unchanged base first): chr2-29225485-GGACCAGGGCGGCCAC-G. GRCh37 (hg19) VCF-style: chr2-29448351-GGACCAGGGCGGCCAC-G.
Identifiers: ClinVar variation 647701 (VCV000647701.8), dbSNP rs1573128739, ClinGen allele CA915943767.